The following is an entry in ClinVar:

ClinVar aggregate classification (germline): Uncertain significance. Review status: criteria provided, multiple submitters, no conflicts (2 of 4 stars). 2 submissions from 2 submitters: Uncertain significance (2). Last evaluated 2023-11-27.

Conditions:
Joubert syndrome. Also called: Familial aplasia of the vermis; CEREBELLOPARENCHYMAL DISORDER IV; JOUBERT-BOLTSHAUSER SYNDROME. Identifiers: Orphanet 475, MedGen C5979921, MONDO:0018772.
Meckel-Gruber syndrome. Also called: Dysencephalia splachnocystica; DYSENCEPHALIA SPLANCHNOCYSTICA; GRUBER SYNDROME. Identifiers: Orphanet 564, MedGen C0265215, MONDO:0018921.
Joubert syndrome 6 (JBTS6). Identifiers: Orphanet 475, MedGen C1853153, MONDO:0012539, OMIM 610688.
Meckel syndrome, type 3 (MKS3). Also called: MECKEL-GRUBER SYNDROME, TYPE 3. Identifiers: Orphanet 564, MedGen C1846357, MONDO:0011821, OMIM 607361.
Nephronophthisis 11 (NPHP11). Identifiers: Orphanet 84081, MedGen C3150796, MONDO:0013302, OMIM 613550.
COACH syndrome 1. Identifiers: Orphanet 1454, MedGen C5435651, MONDO:0800103, OMIM 216360, MONDO:0008996.
Bardet-Biedl syndrome 14 (BBS14). Identifiers: Orphanet 110, MedGen C2673874, MONDO:0014442, OMIM 615991.
RHYNS syndrome. Also called: RETINITIS PIGMENTOSA SYNDROME; RETINITIS PIGMENTOSA, HYPOPITUITARISM, NEPHRONOPHTHISIS, AND MILD SKELETAL DYSPLASIA. Identifiers: Orphanet 140976, MedGen C1865794, MONDO:0011202, OMIM 602152.

Allele frequency attached by ClinVar (database versions not stated): TOPMed 0.00002; 1000 Genomes Project 30x 0.00016; ESP Exome Variant Server 0.00023.
gnomAD v4.1: 15 of 1,614,170 alleles (0.00093%); highest among the groups gnomAD compares: African/African-American, 0.019%; no homozygotes.

Submissions (2):

Labcorp Genetics (formerly Invitae), Labcorp
Classification: Uncertain significance for Joubert syndrome; Meckel-Gruber syndrome. Last evaluated: 2023-11-27. Review status: criteria provided, single submitter. Criteria: Invitae Variant Classification Sherloc (09022015). Collection method: clinical testing. Allele origin: germline.
Comment: This sequence change replaces proline, which is neutral and non-polar, with glutamine, which is neutral and polar, at codon 46 of the TMEM67 protein (p.Pro46Gln). This variant is present in population databases (rs199708882, gnomAD 0.02%). This variant has not been reported in the literature in individuals affected with TMEM67-related conditions. ClinVar contains an entry for this variant (Variation ID: 1039817). Advanced modeling of protein sequence and biophysical properties (such as structural, functional, and spatial information, amino acid conservation, physicochemical variation, residue mobility, and thermodynamic stability) performed at Invitae indicates that this missense variant is expected to disrupt TMEM67 protein function with a positive predictive value of 80%. In summary, the available evidence is currently insufficient to determine the role of this variant in disease. Therefore, it has been classified as a Variant of Uncertain Significance.

Fulgent Genetics
Classification: Uncertain significance for COACH syndrome 1; RHYNS syndrome; Meckel syndrome, type 3; Joubert syndrome 6; Nephronophthisis 11; Bardet-Biedl syndrome 14. Last evaluated: 2021-08-05. Review status: criteria provided, single submitter. Criteria: ACMG Guidelines, 2015. Collection method: clinical testing. Allele origin: unknown.

NM_153704.6(TMEM67):c.137C>A (p.Pro46Gln)

Gene: TMEM67 (transmembrane protein 67; plus strand). Cytogenetic location: 8q22.1.
Variant type: single nucleotide variant.
Coding change: c.137C>A on transcript NM_153704.6 (MANE Select); coding-DNA position 137, C replaced by A.
Protein change: p.Pro46Gln; replaces proline 46 with glutamine.
Molecular consequence: missense variant. On other transcripts: 5 prime UTR variant (1), non-coding transcript variant (1).
Genome position (GRCh38, 1-based): chr8:93,755,051, C>A. VCF-style: chr8-93755051-C-A. GRCh37 (hg19) VCF-style: chr8-94767279-C-A.
Other names: c.-148C>A (NM_001142301.1); short protein forms P46Q.
Identifiers: ClinVar variation 1039817 (VCV001039817.9), dbSNP rs199708882, ClinGen allele CA4807520.